The following is an entry in ClinVar:

ClinVar aggregate classification (germline): Uncertain significance (1 of 4 stars; one submission).

Conditions:
Smith-Lemli-Opitz syndrome (SLOS). Also called: LETHAL ACRODYSGENITAL SYNDROME; POLYDACTYLY, SEX REVERSAL, RENAL HYPOPLASIA, AND UNILOBAR LUNG; RSH SYNDROME; RUTLEDGE LETHAL MULTIPLE CONGENITAL ANOMALY SYNDROME; 7-Dehydrocholesterol reductase deficiency. Identifiers: Orphanet 818, MedGen C0175694, MONDO:0010035, OMIM 270400.

gnomAD v4.1: 1 of 1,611,214 alleles (0.000062%); highest among the groups gnomAD compares: Non-Finnish European, 0.000085%; no homozygotes.

Submission:

Labcorp Genetics (formerly Invitae), Labcorp
Classification: Uncertain significance for Smith-Lemli-Opitz syndrome. Last evaluated: 2022-08-20. Review status: criteria provided, single submitter. Criteria: Invitae Variant Classification Sherloc (09022015). Collection method: clinical testing. Allele origin: germline.
Comment: This sequence change replaces valine, which is neutral and non-polar, with leucine, which is neutral and non-polar, at codon 139 of the DHCR7 protein (p.Val139Leu). This variant is not present in population databases (gnomAD no frequency). This variant has not been reported in the literature in individuals affected with DHCR7-related conditions. Algorithms developed to predict the effect of missense changes on protein structure and function (SIFT, PolyPhen-2, Align-GVGD) all suggest that this variant is likely to be tolerated. In summary, the available evidence is currently insufficient to determine the role of this variant in disease. Therefore, it has been classified as a Variant of Uncertain Significance.

NM_001360.3(DHCR7):c.415G>C (p.Val139Leu)

Gene: DHCR7 (7-dehydrocholesterol reductase; minus strand). Cytogenetic location: 11q13.4.
Variant type: single nucleotide variant.
Coding change: c.415G>C on transcript NM_001360.3 (MANE Select); coding-DNA position 415, G replaced by C.
Protein change: p.Val139Leu; replaces valine 139 with leucine.
Molecular consequence: missense variant.
Genome position (GRCh38, 1-based): chr11:71,441,438, C>G on the plus strand (G>C on the coding strand, the complement: DHCR7 is on the minus strand). VCF-style: chr11-71441438-C-G. GRCh37 (hg19) VCF-style: chr11-71152484-C-G.
Other names: c.415G>C, p.Val139Leu (NM_001163817.2); short protein forms V139L.
Identifiers: ClinVar variation 2119503 (VCV002119503.1), dbSNP rs769816544, ClinGen allele CA381694729.